The following is an entry in ClinVar:

ClinVar aggregate classification (germline): Uncertain significance (1 of 4 stars; one submission).

Submission:

Labcorp Genetics (formerly Invitae), Labcorp
Classification: Uncertain significance. Last evaluated: 2024-10-14. Review status: criteria provided, single submitter. Criteria: Invitae Variant Classification Sherloc (09022015). Collection method: clinical testing. Allele origin: germline.
Comment: This sequence change replaces lysine, which is basic and polar, with arginine, which is basic and polar, at codon 459 of the GUCY2C protein (p.Lys459Arg). This variant is not present in population databases (gnomAD no frequency). This variant has not been reported in the literature in individuals affected with GUCY2C-related conditions. Invitae Evidence Modeling of protein sequence and biophysical properties (such as structural, functional, and spatial information, amino acid conservation, physicochemical variation, residue mobility, and thermodynamic stability) indicates that this missense variant is not expected to disrupt GUCY2C protein function with a negative predictive value of 80%. In summary, the available evidence is currently insufficient to determine the role of this variant in disease. Therefore, it has been classified as a Variant of Uncertain Significance.

NM_004963.4(GUCY2C):c.1376A>G (p.Lys459Arg)

Gene: GUCY2C (guanylate cyclase 2C; minus strand). Cytogenetic location: 12p12.3.
Variant type: single nucleotide variant.
Coding change: c.1376A>G on transcript NM_004963.4 (MANE Select); coding-DNA position 1376, A replaced by G.
Protein change: p.Lys459Arg; replaces lysine 459 with arginine.
Molecular consequence: missense variant.
Genome position (GRCh38, 1-based): chr12:14,656,606, T>C on the plus strand (A>G on the coding strand, the complement: GUCY2C is on the minus strand). VCF-style: chr12-14656606-T-C. GRCh37 (hg19) VCF-style: chr12-14809540-T-C.
Other names: short protein forms K459R.
Identifiers: ClinVar variation 3665226 (VCV003665226.1).